The following is an entry in ClinVar:

ClinVar aggregate classification (germline): Uncertain significance (1 of 4 stars; one submission).

gnomAD v4.1: 1 of 1,517,984 alleles (0.000066%); no homozygotes.

Submission:

GeneDx
Classification: Uncertain significance. Last evaluated: 2025-09-11. Review status: criteria provided, single submitter. Criteria: GeneDx Variant Classification Process June 2021. Collection method: clinical testing. Allele origin: germline.
Comment: Not observed at significant frequency in large population cohorts (gnomAD); Alters the last nucleotide of the exon and is predicted to damage the splice donor site but the effect on protein function is unclear; Has not been previously published as pathogenic or benign to our knowledge

NM_001130438.3(SPTAN1):c.4773G>A (p.Leu1591=)

Gene: SPTAN1 (spectrin alpha, non-erythrocytic 1; plus strand). Cytogenetic location: 9q34.11.
Variant type: single nucleotide variant.
Coding change: c.4773G>A on transcript NM_001130438.3 (MANE Select); coding-DNA position 4773, G replaced by A.
Protein change: p.Leu1591=; no amino-acid change (leucine 1591 retained).
Molecular consequence: synonymous variant. On other transcripts: intron variant (2).
Genome position (GRCh38, 1-based): chr9:128,609,665, G>A. VCF-style: chr9-128609665-G-A. GRCh37 (hg19) VCF-style: chr9-131371944-G-A.
Other names: c.4773G>A, p.Leu1591= (NM_001363759.2, NM_001375310.1, NM_001375311.2 and 1 more transcripts); c.4713G>A, p.Leu1571= (NM_001363765.2, NM_001375314.2); c.4809G>A, p.Leu1603= (NM_001375312.2, NM_001375318.1); c.4758+381G>A (NM_003127.4); c.4698+381G>A (NM_001195532.2).
Identifiers: ClinVar variation 3903026 (VCV003903026.2).